The following is an entry in ClinVar:

NM_004562.3(PRKN):c.279A>G (p.Gly93=)

Gene: PRKN (parkin RBR E3 ubiquitin protein ligase; minus strand). Cytogenetic location: 6q26.
Variant type: single nucleotide variant.
Coding change: c.279A>G on transcript NM_004562.3 (MANE Select); coding-DNA position 279, A replaced by G.
Protein change: p.Gly93=; no amino-acid change (glycine 93 retained).
Molecular consequence: synonymous variant. On other transcripts: intron variant (1).
Genome position (GRCh38, 1-based): chr6:162,262,658, T>C on the plus strand (A>G on the coding strand, the complement: PRKN is on the minus strand). VCF-style: chr6-162262658-T-C. GRCh37 (hg19) VCF-style: chr6-162683690-T-C.
Other names: c.279A>G, p.Gly93= (NM_013987.3); c.171+180652A>G (NM_013988.3).
Identifiers: ClinVar variation 2657122 (VCV002657122.27), dbSNP rs937921776, ClinGen allele CA453309534.

ClinVar aggregate classification (germline): Likely benign. Review status: criteria provided, multiple submitters, no conflicts (2 of 4 stars). 2 submissions from 2 submitters: Likely benign (2). Last evaluated 2023-04-06.

Allele frequency attached by ClinVar (database versions not stated): gnomAD 0.00001.
gnomAD v4.1: 2 of 1,613,516 alleles (0.00012%); highest among the groups gnomAD compares: African/African-American, 0.0013%; no homozygotes.

Submissions (2):

Labcorp Genetics (formerly Invitae), Labcorp
Classification: Likely benign. Last evaluated: 2023-04-06. Review status: criteria provided, single submitter. Criteria: Invitae Variant Classification Sherloc (09022015). Collection method: clinical testing. Allele origin: germline.

CeGaT Center for Human Genetics Tuebingen
Classification: Likely benign. Last evaluated: 2023-01-01. Review status: criteria provided, single submitter. Criteria: CeGaT Center For Human Genetics Tuebingen Variant Classification Criteria Version 2. Collection method: clinical testing. Allele origin: germline. Affected: yes. Observed: 1 variant allele.
Comment: PRKN: BP4, BP7